The following is an entry in ClinVar:

NM_203447.4(DOCK8):c.470C>T (p.Thr157Met)

Gene: DOCK8 (dedicator of cytokinesis 8; plus strand). Cytogenetic location: 9p24.3.
Variant type: single nucleotide variant.
Coding change: c.470C>T on transcript NM_203447.4 (MANE Select); coding-DNA position 470, C replaced by T.
Protein change: p.Thr157Met; replaces threonine 157 with methionine.
Molecular consequence: missense variant.
Genome position (GRCh38, 1-based): chr9:304,646, C>T. VCF-style: chr9-304646-C-T. GRCh37 (hg19) VCF-style: chr9-304646-C-T.
Other names: c.266C>T, p.Thr89Met (NM_001190458.2, NM_001193536.2); short protein forms T157M, T89M.
Identifiers: ClinVar variation 913367 (VCV000913367.37), dbSNP rs575314722, ClinGen allele CA4957249.

ClinVar aggregate classification (germline): Benign/Likely benign. Review status: criteria provided, multiple submitters, no conflicts (2 of 4 stars). 4 submissions from 4 submitters: Benign (1); Likely benign (2). 1 of the submissions does not count toward it. Last evaluated 2026-08-01.

Conditions:
DOCK8-related disorder. Also called: DOCK8-related condition.
Combined immunodeficiency due to DOCK8 deficiency (HIES2). Also called: Hyper-IgE recurrent infection syndrome, autosomal recessive; HYPER-IgE RECURRENT INFECTION SYNDROME 2, AUTOSOMAL RECESSIVE; HIES autosomal recessive; DOCK8 Deficiency; HYPER-IgE SYNDROME 2, AUTOSOMAL RECESSIVE, WITH RECURRENT INFECTIONS. Identifiers: Orphanet 217390, MedGen C4722305, MONDO:0009478, OMIM 243700.

Allele frequency attached by ClinVar (database versions not stated): gnomAD 0.00001 and 0.00011; TOPMed 0.00001; 1000 Genomes Project 30x 0.00016; 1000 Genomes Project 0.00020; gnomAD exomes 0.00022 and 0.00048; ExAC 0.00063.
gnomAD v4.1: 344 of 1,614,182 alleles (0.021%); highest among the groups gnomAD compares: South Asian, 0.34%; 8 homozygotes.

Submissions (4):

CeGaT Center for Human Genetics Tuebingen
Classification: Likely benign. Last evaluated: 2026-08-01. Review status: criteria provided, single submitter. Criteria: CeGaT Center For Human Genetics Tuebingen Variant Classification Criteria Version 2. Collection method: clinical testing. Allele origin: germline. Affected: yes. Observed: 3 variant alleles.
Comment: DOCK8: BS2

Labcorp Genetics (formerly Invitae), Labcorp
Classification: Benign for Combined immunodeficiency due to DOCK8 deficiency. Last evaluated: 2025-12-06. Review status: criteria provided, single submitter. Criteria: Invitae Variant Classification Sherloc (09022015). Collection method: clinical testing. Allele origin: germline.

Illumina Laboratory Services, Illumina
Classification: Likely benign for Combined immunodeficiency due to DOCK8 deficiency. Last evaluated: 2018-01-13. Review status: criteria provided, single submitter. Criteria: ICSL Variant Classification Criteria 13 December 2019. Collection method: clinical testing. Allele origin: germline.
Comment: This variant was observed in the ICSL laboratory as part of a predisposition screen in an ostensibly healthy population. It had not been previously curated by ICSL or reported in the Human Gene Mutation Database (HGMD: prior to June 1st, 2018), and was therefore a candidate for classification through an automated scoring system. Utilizing variant allele frequency, disease prevalence and penetrance estimates, and inheritance mode, an automated score was calculated to assess if this variant is too frequent to cause the disease. Based on the score and internal cut-off values, a variant classified as likely benign is not then subjected to further curation. The score for this variant resulted in a classification of likely benign for this disease.

PreventionGenetics, part of Exact Sciences
Classification: Likely benign for DOCK8-related condition. Last evaluated: 2022-08-16. Review status: no assertion criteria provided. Collection method: clinical testing. Allele origin: germline. Not counted in ClinVar's aggregate classification.
Comment: This variant is classified as likely benign based on ACMG/AMP sequence variant interpretation guidelines (Richards et al. 2015 PMID: 25741868, with internal and published modifications).